The following is an entry in ClinVar:

NM_000901.5(NR3C2):c.2510+4_2510+7del

Gene: NR3C2 (nuclear receptor subfamily 3 group C member 2; minus strand). Cytogenetic location: 4q31.23.
Variant type: Microsatellite.
Coding change: c.2510+4_2510+7del on transcript NM_000901.5 (MANE Select); bases 4 to 7 of the intron after coding-DNA position 2510, 4 bases deleted (AGTA; older notation c.2510+4_2510+7delAGTA).
Molecular consequence: splice donor variant.
Genome position (GRCh38, 1-based): chr4:148,152,462-148,152,465, TACT deleted on the plus strand (AGTA on the coding strand, the reverse complement: NR3C2 is on the minus strand); deleting any 4 consecutive bases within chr4:148,152,462-148,152,469 gives the same sequence; the c. name uses the placement nearest the transcript's 3' end. VCF-style (leftmost placement, unchanged base first): chr4-148152461-GTACT-G. GRCh37 (hg19) VCF-style: chr4-149073612-GTACT-G.
Other names: c.2159+4_2159+7del (NM_001354819.1, NM_001166104.2).
Identifiers: ClinVar variation 3726893 (VCV003726893.2).

ClinVar aggregate classification (germline): Uncertain significance (1 of 4 stars; one submission).

Submission:

Labcorp Genetics (formerly Invitae), Labcorp
Classification: Uncertain significance. Last evaluated: 2025-03-13. Review status: criteria provided, single submitter. Criteria: Invitae Variant Classification Sherloc (09022015). Collection method: clinical testing. Allele origin: germline.
Comment: This sequence change falls in intron 6 of the NR3C2 gene. It does not directly change the encoded amino acid sequence of the NR3C2 protein. It affects a nucleotide within the consensus splice site. This variant is not present in population databases (gnomAD no frequency). This variant has not been reported in the literature in individuals affected with NR3C2-related conditions. Variants that disrupt the consensus splice site are a relatively common cause of aberrant splicing (PMID: 17576681, 9536098). Algorithms developed to predict the effect of sequence changes on RNA splicing suggest that this variant may disrupt the consensus splice site. In summary, the available evidence is currently insufficient to determine the role of this variant in disease. Therefore, it has been classified as a Variant of Uncertain Significance.

Literature cited by the submitters: PubMed 17576681; PubMed 9536098.